The following is an entry in ClinVar:

NM_001379110.1(SLC9A6):c.1768A>C (p.Asn590His)

Gene: SLC9A6 (solute carrier family 9 member A6; plus strand). Cytogenetic location: Xq26.3.
Variant type: single nucleotide variant.
Coding change: c.1768A>C on transcript NM_001379110.1 (MANE Select); coding-DNA position 1768, A replaced by C.
Protein change: p.Asn590His; replaces asparagine 590 with histidine.
Molecular consequence: missense variant.
Genome position (GRCh38, 1-based): chrX:136,044,452, A>C. VCF-style: chrX-136044452-A-C. GRCh37 (hg19) VCF-style: chrX-135126611-A-C.
Other names: c.1834A>C, p.Asn612His (NM_001042537.2); c.1678A>C, p.Asn560His (NM_001177651.2); c.1582A>C, p.Asn528His (NM_001330652.2); c.1738A>C, p.Asn580His (NM_006359.3); short protein forms N528H, N560H, N580H, N590H, N612H.
Identifiers: ClinVar variation 1014938 (VCV001014938.9), dbSNP rs2071563497, ClinGen allele CA414756442.
Genomic context (GRCh38, chrX:136,044,452, plus strand): 5'-TATTGGAAATGTCTCTTGAACTTCTCAAAAATTCTTAAATCTTACTTTATTTGCATTTAG[A>C]ACCAGGAACAGTTGAAAGATGATGATTCTGATCTTATTCTCAATGATGGTGACATCAGTT-3'
Protein context (NP_001366039.1, residues 580-600): RCLTSPQAYE[Asn590His]QEQLKDDDSD

ClinVar aggregate classification (germline): Uncertain significance (1 of 4 stars; one submission).

Conditions:
Christianson syndrome (MRXSCH). Also called: INTELLECTUAL DEVELOPMENTAL DISORDER, X-LINKED, SYNDROMIC, CHRISTIANSON TYPE; X-linked mental retardation, syndromic, Christianson type; SLC9A6-Related Syndromic Mental Retardation. Identifiers: Orphanet 85278, MedGen C2678194, MONDO:0010278, OMIM 300243.

Submission:

Labcorp Genetics (formerly Invitae), Labcorp
Classification: Uncertain significance for Christianson syndrome. Last evaluated: 2020-10-03. Review status: criteria provided, single submitter. Criteria: Invitae Variant Classification Sherloc (09022015). Collection method: clinical testing. Allele origin: germline.
Comment: This sequence change replaces asparagine with histidine at codon 580 of the SLC9A6 protein (p.Asn580His). The asparagine residue is moderately conserved and there is a small physicochemical difference between asparagine and histidine. This variant is not present in population databases (ExAC no frequency). This variant has not been reported in the literature in individuals with SLC9A6-related conditions. Algorithms developed to predict the effect of missense changes on protein structure and function are either unavailable or do not agree on the potential impact of this missense change (SIFT: "Tolerated"; PolyPhen-2: "Probably Damaging"; Align-GVGD: "Class C0"). In summary, the available evidence is currently insufficient to determine the role of this variant in disease. Therefore, it has been classified as a Variant of Uncertain Significance.